The following is an entry in ClinVar:

NM_022168.4(IFIH1):c.2534C>T (p.Thr845Ile)

Gene: IFIH1 (interferon induced with helicase C domain 1; minus strand). Cytogenetic location: 2q24.2.
Variant type: single nucleotide variant.
Coding change: c.2534C>T on transcript NM_022168.4 (MANE Select); coding-DNA position 2534, C replaced by T.
Protein change: p.Thr845Ile; replaces threonine 845 with isoleucine.
Molecular consequence: missense variant.
Genome position (GRCh38, 1-based): chr2:162,272,308, G>A on the plus strand (C>T on the coding strand, the complement: IFIH1 is on the minus strand). VCF-style: chr2-162272308-G-A. GRCh37 (hg19) VCF-style: chr2-163128818-G-A.
Other names: p.Thr845Ile; short protein forms T845I.
Identifiers: ClinVar variation 3750739 (VCV003750739.3).
Genomic context (GRCh38, chr2:162,272,308, plus strand): 5'-TTCATATTTTGAACACAATGTATAGCTTTATACATCATCTTCTCTCGGAAATCATTAACT[G>A]TCTCATGTTCGATAACTCCTGAACCACTGTGAGCAACCAGGACGTAGGTGCTCTCATCAG-3'
Protein context (NP_071451.2, residues 835-855): HSGSGVIEHE[Thr845Ile]VNDFREKMMY

ClinVar aggregate classification (germline): Uncertain significance. Review status: criteria provided, multiple submitters, no conflicts (2 of 4 stars). 2 submissions from 2 submitters: Uncertain significance (2). Last evaluated 2025-05-21.

Conditions:
Singleton-Merten syndrome 1 (SGMRT1). Also called: Syndrome of widened medullary cavities of the metacarpals and phalanges, aortic calcification and abnormal dentition; Widened medullary cavities of bone, aortic calcification, abnormal dentition, and muscular weakness. Identifiers: Orphanet 85191, MedGen C4225427, MONDO:0024535, OMIM 182250.
Aicardi-Goutieres syndrome 7 (AGS7). Identifiers: Orphanet 51, MedGen C3888244, MONDO:0014367, OMIM 615846.

gnomAD v4.1: 3 of 1,612,680 alleles (0.00019%); highest among the groups gnomAD compares: Non-Finnish European, 0.00017%; no homozygotes.

Submissions (2):

Labcorp Genetics (formerly Invitae), Labcorp
Classification: Uncertain significance for Aicardi-Goutieres syndrome 7; Singleton-Merten syndrome 1. Last evaluated: 2025-05-21. Review status: criteria provided, single submitter. Criteria: Invitae Variant Classification Sherloc (09022015). Collection method: clinical testing. Allele origin: germline.
Comment: This sequence change replaces threonine, which is neutral and polar, with isoleucine, which is neutral and non-polar, at codon 845 of the IFIH1 protein (p.Thr845Ile). This variant is not present in population databases (gnomAD no frequency). This variant has not been reported in the literature in individuals affected with IFIH1-related conditions. ClinVar contains an entry for this variant (Variation ID: 3750739). An algorithm developed to predict the effect of missense changes on protein structure and function outputs the following: PolyPhen-2: "Benign". The isoleucine amino acid residue is found in multiple mammalian species, which suggests that this missense change does not adversely affect protein function. In summary, the available evidence is currently insufficient to determine the role of this variant in disease. Therefore, it has been classified as a Variant of Uncertain Significance.

Mayo Clinic Laboratories, Mayo Clinic
Classification: Uncertain significance. Last evaluated: 2025-05-11. Review status: criteria provided, single submitter. Criteria: ACMG Guidelines, 2015. Collection method: clinical testing. Allele origin: germline. Observed: 1 variant allele.
Comment: BP4_moderate, PM2_supporting